The following is an entry in ClinVar:

NM_020134.4(DPYSL5):c.1366_1370dup (p.Thr458fs)

Gene: DPYSL5 (dihydropyrimidinase like 5; plus strand). Cytogenetic location: 2p23.3.
Variant type: Duplication.
Coding change: c.1366_1370dup on transcript NM_020134.4 (MANE Select); coding-DNA positions 1366 to 1370, 5 bases duplicated (GAGGG; older notation c.1366_1370dupGAGGG).
Protein change: p.Thr458fs; shifts the reading frame from threonine 458.
Molecular consequence: frameshift variant.
Genome position (GRCh38, 1-based): chr2:26,942,676-26,942,680, GAGGG duplicated. VCF-style (leftmost placement, unchanged base first): chr2-26942675-C-CGAGGG. GRCh37 (hg19) VCF-style: chr2-27165543-C-CGAGGG.
Other names: c.1366_1370dup, p.Thr458fs (NM_001253723.2, NM_001253724.2); short protein forms T458fs.
Identifiers: ClinVar variation 4857465 (VCV004857465.1).

ClinVar aggregate classification (germline): Uncertain significance (1 of 4 stars; one submission).

Conditions:
Ritscher-Schinzel syndrome 4. Identifiers: MedGen C5561939, MONDO:0030331, OMIM 619435.

Submission:

Institute of Human Genetics, University of Leipzig Medical Center
Classification: Uncertain significance for Ritscher-Schinzel syndrome 4. Last evaluated: 2026-05-22. Review status: criteria provided, single submitter. Criteria: ACMG Guidelines, 2015. Collection method: clinical testing. Allele origin: de novo. Inheritance: Autosomal dominant inheritance. Affected: yes.
Comment: Criteria applied: PM2,PS2